The following is an entry in ClinVar:

NM_001267550.2(TTN):c.49758T>C (p.Tyr16586=)

Genes: TTN (titin; minus strand), TTN-AS1 (TTN antisense RNA 1; plus strand). Cytogenetic location: 2q31.2.
Variant type: single nucleotide variant.
Coding change: c.49758T>C on transcript NM_001267550.2 (MANE Select); coding-DNA position 49758, T replaced by C.
Protein change: p.Tyr16586=; no amino-acid change (tyrosine 16586 retained).
Molecular consequence: synonymous variant.
Genome position (GRCh38, 1-based): chr2:178,612,963, A>G on the plus strand (T>C on the coding strand, the complement: TTN is on the minus strand). VCF-style: chr2-178612963-A-G. GRCh37 (hg19) VCF-style: chr2-179477690-A-G.
Other names: c.44835T>C, p.Tyr14945= (NM_001256850.1); c.42054T>C, p.Tyr14018= (NM_133378.4); c.22563T>C, p.Tyr7521= (NM_003319.4); c.22938T>C, p.Tyr7646= (NM_133432.3); c.23139T>C, p.Tyr7713= (NM_133437.4); c.49758T>C (NM_001267550.1).
Identifiers: ClinVar variation 228104 (VCV000228104.62), dbSNP rs72677247, ClinGen allele CA1994518.
Genomic context (GRCh38, chr2:178,612,963, plus strand): 5'-GGGAACCCCTTCCGCCACTCTGACCCACTCATCTGTTCCAGTCTTCAGCATTTCAATGAC[A>G]TAAGACTCAATCTTTGCACCTCCATCATGTTCTGGTTTTGTCCAATTCAACCTTACTGAT-3'
Protein context (NP_001254479.2, residues 16576-16596): EHDGGAKIES[Tyr16586=]VIEMLKTGTD

ClinVar aggregate classification (germline): Conflicting classifications of pathogenicity. Review status: criteria provided, conflicting classifications (1 of 4 stars). 15 submissions from 11 submitters: Uncertain significance (4); Benign (5); Likely benign (5). 1 of the submissions does not count toward it. Last evaluated 2026-09-21.

Conditions:
TTN-related disorder. Also called: TTN-related condition; TTN-related disease; TTN-related disorders.
Cardiovascular phenotype. Identifiers: MedGen CN230736.
Autosomal recessive limb-girdle muscular dystrophy type 2J (LGMDR10). Also called: Limb-girdle muscular dystrophy, type 2J; MUSCULAR DYSTROPHY, LIMB-GIRDLE, AUTOSOMAL RECESSIVE 10. Identifiers: Orphanet 140922, MedGen C1837342, MONDO:0012127, OMIM 608807.
Dilated cardiomyopathy 1G (CMD1G). Identifiers: Orphanet 154, MedGen C1858763, MONDO:0011400, OMIM 604145.
Early-onset myopathy with fatal cardiomyopathy (CMYO5). Also called: CONGENITAL MYOPATHY 5 WITH CARDIOMYOPATHY; Salih Myopathy. Identifiers: Orphanet 289377, MedGen C2673677, MONDO:0012714, OMIM 611705. Disease mechanism: loss of function.
Myopathy, myofibrillar, 9, with early respiratory failure (MFM9). Also called: Hereditary myopathy with early respiratory failure; MYOPATHY, PROXIMAL, WITH EARLY RESPIRATORY MUSCLE INVOLVEMENT; Myopathy, distal, with early respiratory failure, autosomal dominant; EDSTROM MYOPATHY. Identifiers: Orphanet 178464, Orphanet 34521, MedGen C1863599, MONDO:0011362, OMIM 603689.
Tibial muscular dystrophy (TMD). Also called: Tibial muscular dystrophy, tardive; UDD MYOPATHY; Udd Distal Myopathy – Tibial Muscular Dystrophy. Identifiers: Orphanet 609, MedGen C1838244, MONDO:0010870, OMIM 600334.

Allele frequency attached by ClinVar (database versions not stated): gnomAD 0.00006 and 0.00013; TOPMed 0.00010; 1000 Genomes Project 0.00020; ESP Exome Variant Server 0.00024; 1000 Genomes Project 30x 0.00031; gnomAD exomes 0.00038; ExAC 0.00050.
gnomAD v4.1: 281 of 1,612,730 alleles (0.017%); highest among the groups gnomAD compares: South Asian, 0.21%; 4 homozygotes.

Submissions (15):

Molecular Diagnostic Laboratory for Inherited Cardiovascular Disease, Montreal Heart Institute
Classification: Likely benign. Last evaluated: 2026-09-21. Review status: criteria provided, single submitter. Criteria: ACMG Guidelines, 2015. Collection method: clinical testing. Allele origin: germline. Affected: no.
Comment: BS1;BP7

Labcorp Genetics (formerly Invitae), Labcorp
Classification: Benign for Dilated cardiomyopathy 1G; Autosomal recessive limb-girdle muscular dystrophy type 2J. Last evaluated: 2026-01-25. Review status: criteria provided, single submitter. Criteria: Invitae Variant Classification Sherloc (09022015). Collection method: clinical testing. Allele origin: germline.

CeGaT Center for Human Genetics Tuebingen
Classification: Likely benign. Last evaluated: 2026-01-01. Review status: criteria provided, single submitter. Criteria: CeGaT Center For Human Genetics Tuebingen Variant Classification Criteria Version 2. Collection method: clinical testing. Allele origin: germline. Affected: yes. Observed: 10 variant alleles.
Comment: TTN: BP4, BP7

Blueprint Genetics
Classification: Likely benign. Last evaluated: 2024-01-11. Review status: criteria provided, single submitter. Criteria: ACMG Guidelines, 2015. Collection method: clinical testing. Allele origin: germline.

Athena Diagnostics
Classification: Benign. Last evaluated: 2021-04-23. Review status: criteria provided, single submitter. Criteria: Athena Diagnostics criteria. Collection method: clinical testing. Allele origin: unknown.

GeneDx
Classification: Benign. Last evaluated: 2019-08-16. Review status: criteria provided, single submitter. Criteria: GeneDx Variant Classification Process June 2021. Collection method: clinical testing. Allele origin: germline. Affected: yes.

Ambry Genetics
Classification: Likely benign for Cardiovascular phenotype. Last evaluated: 2019-08-02. Review status: criteria provided, single submitter. Criteria: Ambry Variant Classification Scheme 2023. Collection method: clinical testing. Allele origin: germline.

Illumina Laboratory Services, Illumina
Classification: Benign for Tibial muscular dystrophy. Last evaluated: 2018-01-13. Review status: criteria provided, single submitter. Criteria: ICSL Variant Classification Criteria 13 December 2019. Collection method: clinical testing. Allele origin: germline.
Comment: This variant was observed in the ICSL laboratory as part of a predisposition screen in an ostensibly healthy population. It had not been previously curated by ICSL or reported in the Human Gene Mutation Database (HGMD: prior to June 1st, 2018), and was therefore a candidate for classification through an automated scoring system. Utilizing variant allele frequency, disease prevalence and penetrance estimates, and inheritance mode, an automated score was calculated to assess if this variant is too frequent to cause the disease. Based on the score and internal cut-off values, a variant classified as benign is not then subjected to further curation. The score for this variant resulted in a classification of benign for this disease.

Illumina Laboratory Services, Illumina
Classification: Uncertain significance for Dilated cardiomyopathy 1G. Last evaluated: 2018-01-13. Review status: criteria provided, single submitter. Criteria: ICSL Variant Classification Criteria 13 December 2019. Collection method: clinical testing. Allele origin: germline.

Illumina Laboratory Services, Illumina
Classification: Benign for Myopathy, myofibrillar, 9, with early respiratory failure. Last evaluated: 2018-01-13. Review status: criteria provided, single submitter. Criteria: ICSL Variant Classification Criteria 13 December 2019. Collection method: clinical testing. Allele origin: germline.
Comment: the same text as in the submission from Illumina Laboratory Services, Illumina above.

Illumina Laboratory Services, Illumina
Classification: Uncertain significance for Early-onset myopathy with fatal cardiomyopathy. Last evaluated: 2018-01-13. Review status: criteria provided, single submitter. Criteria: ICSL Variant Classification Criteria 13 December 2019. Collection method: clinical testing. Allele origin: germline.

Illumina Laboratory Services, Illumina
Classification: Uncertain significance for Autosomal recessive limb-girdle muscular dystrophy type 2J. Last evaluated: 2018-01-13. Review status: criteria provided, single submitter. Criteria: ICSL Variant Classification Criteria 13 December 2019. Collection method: clinical testing. Allele origin: germline.

Eurofins Ntd Llc (ga)
Classification: Uncertain significance. Last evaluated: 2016-11-29. Review status: criteria provided, single submitter. Criteria: EGL Classification Definitions 2015. Collection method: clinical testing. Allele origin: germline. Observed: 2 variant alleles, 2 heterozygotes.

Laboratory for Molecular Medicine, Mass General Brigham Personalized Medicine
Classification: Likely benign. Last evaluated: 2015-07-09. Review status: criteria provided, single submitter. Criteria: LMM Criteria. Collection method: clinical testing. Allele origin: germline. Observed: 1 variant allele.
Comment: p.Tyr14018Tyr in exon 214 of TTN: This variant is not expected to have clinical significance because it does not alter an amino acid residue and is not located within the splice consensus sequence. It has been identified in 0.27% (45/16502) of South Asian chromosomes by the Exome Aggregation Consortium (ExAC; dbSNP rs72677247).

PreventionGenetics, part of Exact Sciences
Classification: Likely benign for TTN-related condition. Last evaluated: 2022-06-13. Review status: no assertion criteria provided. Collection method: clinical testing. Allele origin: germline. Not counted in ClinVar's aggregate classification.
Comment: This variant is classified as likely benign based on ACMG/AMP sequence variant interpretation guidelines (Richards et al. 2015 PMID: 25741868, with internal and published modifications).